The following is an entry in ClinVar:

ClinVar aggregate classification (germline): Uncertain significance (1 of 4 stars; one submission).

Allele frequency attached by ClinVar (database versions not stated): gnomAD 0.00001; TOPMed 0.00002; ExAC 0.00011.
gnomAD v4.1: 41 of 1,614,086 alleles (0.0025%); highest among the groups gnomAD compares: Admixed American, 0.037%; no homozygotes.

Submission:

Labcorp Genetics (formerly Invitae), Labcorp
Classification: Uncertain significance. Last evaluated: 2022-06-15. Review status: criteria provided, single submitter. Criteria: Invitae Variant Classification Sherloc (09022015). Collection method: clinical testing. Allele origin: germline.
Comment: This sequence change replaces leucine, which is neutral and non-polar, with valine, which is neutral and non-polar, at codon 461 of the FAT4 protein (p.Leu461Val). This variant is present in population databases (rs751472010, gnomAD 0.05%). This variant has not been reported in the literature in individuals affected with FAT4-related conditions. Advanced modeling of protein sequence and biophysical properties (such as structural, functional, and spatial information, amino acid conservation, physicochemical variation, residue mobility, and thermodynamic stability) performed at Invitae indicates that this missense variant is not expected to disrupt FAT4 protein function. In summary, the available evidence is currently insufficient to determine the role of this variant in disease. Therefore, it has been classified as a Variant of Uncertain Significance.

NM_001291303.3(FAT4):c.1381C>G (p.Leu461Val)

Gene: FAT4 (FAT atypical cadherin 4; plus strand). Cytogenetic location: 4q28.1.
Variant type: single nucleotide variant.
Coding change: c.1381C>G on transcript NM_001291303.3 (MANE Select); coding-DNA position 1381, C replaced by G.
Protein change: p.Leu461Val; replaces leucine 461 with valine.
Molecular consequence: missense variant.
Genome position (GRCh38, 1-based): chr4:125,317,792, C>G. VCF-style: chr4-125317792-C-G. GRCh37 (hg19) VCF-style: chr4-126238947-C-G.
Other names: c.1381C>G, p.Leu461Val (NM_001291285.3, NM_024582.6); short protein forms L461V.
Identifiers: ClinVar variation 2417500 (VCV002417500.3), dbSNP rs751472010, ClinGen allele CA3071981.